The following is an entry in ClinVar:

ClinVar aggregate classification (germline): Pathogenic. Review status: reviewed by expert panel (3 of 4 stars). 9 submissions from 9 submitters: Pathogenic (1). 8 of the submissions do not count toward it. Last evaluated 2016-09-08.

Conditions:
Inherited breast cancer and ovarian cancer.
Hereditary cancer-predisposing syndrome. Also called: Neoplastic Syndromes, Hereditary; Hereditary neoplastic syndrome; Tumor predisposition; Hereditary Cancer Syndrome. Identifiers: Orphanet 140162, MedGen C0027672, MeSH D009386, MONDO:0015356.
Hereditary breast ovarian cancer syndrome. Also called: Hereditary breast and/or ovarian cancer syndrome; Hereditary breast and ovarian cancer; Hereditary breast and ovarian cancer syndrome (HBOC); Breast and ovarian cancer; BRCA1- and BRCA2-Associated Hereditary Breast and Ovarian Cancer; Hereditary breast and ovarian cancer syndrome. Identifiers: Orphanet 145, MedGen C0677776, MeSH D061325, MONDO:0003582. Disease mechanism: loss of function.
Breast-ovarian cancer, familial, susceptibility to, 2 (BROVCA2). Also called: BRCA2 Hereditary Breast and Ovarian Cancer. Identifiers: Orphanet 145, MedGen C2675520, MONDO:0012933, OMIM 612555. Disease mechanism: loss of function.

Submissions (9):

Evidence-based Network for the Interpretation of Germline Mutant Alleles (ENIGMA)
Classification: Pathogenic for Breast-ovarian cancer, familial, susceptibility to, 2. Last evaluated: 2016-09-08. Review status: reviewed by expert panel. Criteria: ENIGMA BRCA1/2 Classification Criteria (2015). Collection method: curation. Allele origin: germline.
Comment: Variant allele predicted to encode a truncated non-functional protein.

Ambry Genetics
Classification: Pathogenic for Hereditary cancer-predisposing syndrome. Last evaluated: 2026-03-28. Review status: criteria provided, single submitter. Criteria: Ambry Variant Classification Scheme 2023. Collection method: clinical testing. Allele origin: germline. Not counted in ClinVar's aggregate classification.
Comment: The p.Q2421* pathogenic mutation (also known as c.7261C>T), located in coding exon 13 of the BRCA2 gene, results from a C to T substitution at nucleotide position 7261. This changes the amino acid from a glutamine to a stop codon within coding exon 13. This variant is considered to be rare based on population cohorts in the Genome Aggregation Database (gnomAD). This alteration is expected to result in loss of function by premature protein truncation or nonsense-mediated mRNA decay. As such, this alteration is interpreted as a disease-causing mutation.

Genetics Laboratory, Great Ormond Street Hospital NHS Foundation Trust, North Thames Genomic Laboratory Hub
Classification: Pathogenic for Inherited breast cancer and ovarian cancer. Last evaluated: 2025-08-06. Review status: criteria provided, single submitter. Criteria: CanVIG BRCA Gene Specific V1.22. Collection method: clinical testing. Allele origin: germline. Affected: yes. Not counted in ClinVar's aggregate classification.
Comment: PM2_moderate, PVS1_very-strong, PM5_strong

Dasa
Classification: Pathogenic for Breast-ovarian cancer, familial, susceptibility to, 2. Last evaluated: 2025-01-08. Review status: criteria provided, single submitter. Criteria: DASA Assertion Criteria. Collection method: clinical testing. Allele origin: germline. Not counted in ClinVar's aggregate classification.
Comment: NM_000059.4(BRCA2):c.7261C>T (p.Gln2421*) introduces a premature termination codon predicted to result in loss of normal protein function. Loss-of-function is an established mechanism of disease for this gene. The affected residue or protein region has prior evidence supporting clinical relevance. The variant is present at low frequency in population datasets. Based on the available data, this variant is classified as pathogenic.

Labcorp Genetics (formerly Invitae), Labcorp
Classification: Pathogenic for Hereditary breast ovarian cancer syndrome. Last evaluated: 2023-01-16. Review status: criteria provided, single submitter. Criteria: Invitae Variant Classification Sherloc (09022015). Collection method: clinical testing. Allele origin: germline. Not counted in ClinVar's aggregate classification.
Comment: For these reasons, this variant has been classified as Pathogenic. ClinVar contains an entry for this variant (Variation ID: 52301). This variant is also known as c.7489C>T (Q2421X). This premature translational stop signal has been observed in individual(s) with BRCA2-related conditions (PMID: 11102986, 29446198). This variant is not present in population databases (gnomAD no frequency). This sequence change creates a premature translational stop signal (p.Gln2421*) in the BRCA2 gene. It is expected to result in an absent or disrupted protein product. Loss-of-function variants in BRCA2 are known to be pathogenic (PMID: 20104584).

Institute for Clinical Genetics, University Hospital TU Dresden, University Hospital TU Dresden
Classification: Pathogenic. Last evaluated: 2021-11-03. Review status: criteria provided, single submitter. Criteria: ACMG Guidelines, 2015. Collection method: clinical testing. Allele origin: germline. Not counted in ClinVar's aggregate classification.

Consortium of Investigators of Modifiers of BRCA1/2 (CIMBA), c/o University of Cambridge
Classification: Pathogenic for Breast-ovarian cancer, familial, susceptibility to, 2. Last evaluated: 2015-10-02. Review status: criteria provided, single submitter. Criteria: CIMBA Mutation Classification guidelines May 2016. Collection method: clinical testing. Allele origin: germline. Not counted in ClinVar's aggregate classification.

Clinical Genetics DNA and cytogenetics Diagnostics Lab, Erasmus MC, Erasmus Medical Center
Classification: Pathogenic for Breast-ovarian cancer, familial, susceptibility to, 2. Last evaluated: 2015-09-21. Review status: criteria provided, single submitter. Criteria: ACGS Guidelines, 2013. Collection method: clinical testing. Allele origin: germline. Affected: yes. Study: VKGL Data-share Consensus. Not counted in ClinVar's aggregate classification.

Diagnostic Laboratory, Department of Genetics, University Medical Center Groningen
Classification: Pathogenic for Breast-ovarian cancer, familial, susceptibility to, 2. Review status: no assertion criteria provided. Collection method: clinical testing. Allele origin: germline. Affected: yes. Study: VKGL Data-share Consensus. Not counted in ClinVar's aggregate classification.

Literature cited by the submitters: PubMed 11102986 (cited by Labcorp Genetics (formerly Invitae), Labcorp); PubMed 29446198 (cited by Labcorp Genetics (formerly Invitae), Labcorp); PubMed 20104584 (cited by Labcorp Genetics (formerly Invitae), Labcorp).

NM_000059.4(BRCA2):c.7261C>T (p.Gln2421Ter)

Gene: BRCA2 (BRCA2 DNA repair associated; plus strand). Cytogenetic location: 13q13.1.
Variant type: single nucleotide variant.
Coding change: c.7261C>T on transcript NM_000059.4 (MANE Select); coding-DNA position 7261, C replaced by T.
Protein change: p.Gln2421Ter; replaces glutamine 2421 with a stop codon.
Molecular consequence: nonsense.
Genome position (GRCh38, 1-based): chr13:32,355,114, C>T. VCF-style: chr13-32355114-C-T. GRCh37 (hg19) VCF-style: chr13-32929251-C-T.
Other names: short protein forms Q2421*.
Identifiers: ClinVar variation 52301 (VCV000052301.15), dbSNP rs397507908, ClinGen allele CA025004.
Genomic context (GRCh38, chr13:32,355,114, plus strand): 5'-AGACCAACCAAAGTCTTTGTTCCACCTTTTAAAACTAAATCACATTTTCACAGAGTTGAA[C>T]AGTGTGTTAGGAATATTAACTTGGAGGAAAACAGACAAAAGCAAAACATTGATGGACATG-3'